The following is an entry in ClinVar:

ClinVar aggregate classification (germline): Uncertain significance (1 of 4 stars; one submission).

Allele frequency attached by ClinVar (database versions not stated): ESP Exome Variant Server 0.00008; TOPMed 0.00009; gnomAD exomes 0.00011; ExAC 0.00014; gnomAD 0.00014 and 0.00016; 1000 Genomes Project 30x 0.00031; 1000 Genomes Project 0.00040.
gnomAD v4.1: 176 of 1,606,500 alleles (0.011%); highest among the groups gnomAD compares: South Asian, 0.021%; 1 homozygote.

Submission:

Labcorp Genetics (formerly Invitae), Labcorp
Classification: Uncertain significance. Last evaluated: 2025-11-25. Review status: criteria provided, single submitter. Criteria: Invitae Variant Classification Sherloc (09022015). Collection method: clinical testing. Allele origin: germline.
Comment: This sequence change replaces glutamic acid, which is acidic and polar, with alanine, which is neutral and non-polar, at codon 101 of the TNFRSF6B protein (p.Glu101Ala). This variant is present in population databases (rs369092916, gnomAD 0.02%). This variant has not been reported in the literature in individuals affected with TNFRSF6B-related conditions. ClinVar contains an entry for this variant (Variation ID: 1435830). An algorithm developed to predict the effect of missense changes on protein structure and function outputs the following: PolyPhen-2: "Probably Damaging". The alanine amino acid residue is found in multiple mammalian species, which suggests that this missense change does not adversely affect protein function. In summary, the available evidence is currently insufficient to determine the role of this variant in disease. Therefore, it has been classified as a Variant of Uncertain Significance.

NM_003823.4(TNFRSF6B):c.302A>C (p.Glu101Ala)

Genes: RTEL1-TNFRSF6B (RTEL1-TNFRSF6B readthrough (NMD candidate); plus strand), TNFRSF6B (TNF receptor superfamily member 6b; plus strand). Cytogenetic location: 20q13.33.
Variant type: single nucleotide variant.
Coding change: c.302A>C on transcript NM_003823.4 (MANE Select); coding-DNA position 302, A replaced by C.
Protein change: p.Glu101Ala; replaces glutamic acid 101 with alanine.
Molecular consequence: missense variant. On other transcripts: non-coding transcript variant (1).
Genome position (GRCh38, 1-based): chr20:63,697,069, A>C. VCF-style: chr20-63697069-A-C. GRCh37 (hg19) VCF-style: chr20-62328422-A-C.
Other names: short protein forms E101A.
Identifiers: ClinVar variation 1435830 (VCV001435830.6), dbSNP rs369092916, ClinGen allele CA9966403.